The following is an entry in ClinVar:

ClinVar aggregate classification (germline): Uncertain significance (1 of 4 stars; one submission).

Allele frequency attached by ClinVar (database versions not stated): TOPMed below 0.00001; gnomAD exomes 0.00001; ESP Exome Variant Server 0.00008.
gnomAD v4.1: 7 of 1,613,738 alleles (0.00043%); highest among the groups gnomAD compares: Non-Finnish European, 0.00059%; no homozygotes.

Submission:

Labcorp Genetics (formerly Invitae), Labcorp
Classification: Uncertain significance. Last evaluated: 2022-07-01. Review status: criteria provided, single submitter. Criteria: Invitae Variant Classification Sherloc (09022015). Collection method: clinical testing. Allele origin: germline.
Comment: In summary, the available evidence is currently insufficient to determine the role of this variant in disease. Therefore, it has been classified as a Variant of Uncertain Significance. Algorithms developed to predict the effect of missense changes on protein structure and function are either unavailable or do not agree on the potential impact of this missense change (SIFT: "Tolerated"; PolyPhen-2: "Possibly Damaging"; Align-GVGD: "Class C0"). ClinVar contains an entry for this variant (Variation ID: 1389610). This variant has not been reported in the literature in individuals affected with COX6A1-related conditions. This variant is present in population databases (rs375697683, gnomAD 0.0008%). This sequence change replaces glutamic acid, which is acidic and polar, with aspartic acid, which is acidic and polar, at codon 32 of the COX6A1 protein (p.Glu32Asp).

NM_004373.4(COX6A1):c.96G>C (p.Glu32Asp)

Gene: COX6A1 (cytochrome c oxidase subunit 6A1; plus strand). Cytogenetic location: 12q24.31.
Variant type: single nucleotide variant.
Coding change: c.96G>C on transcript NM_004373.4 (MANE Select); coding-DNA position 96, G replaced by C.
Protein change: p.Glu32Asp; replaces glutamic acid 32 with aspartic acid.
Molecular consequence: missense variant.
Genome position (GRCh38, 1-based): chr12:120,438,222, G>C. VCF-style: chr12-120438222-G-C. GRCh37 (hg19) VCF-style: chr12-120876025-G-C.
Other names: short protein forms E32D.
Identifiers: ClinVar variation 1389610 (VCV001389610.6), dbSNP rs375697683, ClinGen allele CA6827978.